The following is an entry in ClinVar:

ClinVar aggregate classification (germline): Pathogenic (1 of 4 stars; one submission).

Conditions:
Periodontitis, aggressive. Identifiers: MedGen C0031106, MONDO:0980757.
Papillon-Lefèvre syndrome (PALS). Also called: KERATOSIS PALMOPLANTARIS WITH PERIODONTOPATHIA; Papillon-Lefevre Disease. Identifiers: Orphanet 678, MedGen C0030360, MONDO:0009490, OMIM 245000.
Haim-Munk syndrome (HMS). Also called: COCHIN JEWISH DISORDER; KERATOSIS PALMOPLANTARIS WITH PERIODONTOPATHIA AND ONYCHOGRYPOSIS. Identifiers: Orphanet 2342, MedGen C1855627, MONDO:0009491, OMIM 245010.

Submission:

Labcorp Genetics (formerly Invitae), Labcorp
Classification: Pathogenic for Haim-Munk syndrome; Periodontitis, aggressive; Papillon-Lefèvre syndrome. Last evaluated: 2023-07-19. Review status: criteria provided, single submitter. Criteria: Invitae Variant Classification Sherloc (09022015). Collection method: clinical testing. Allele origin: germline.
Comment: This sequence change creates a premature translational stop signal (p.Trp101*) in the CTSC gene. It is expected to result in an absent or disrupted protein product. Loss-of-function variants in CTSC are known to be pathogenic (PMID: 10662808, 11106356, 11886537). This variant is not present in population databases (gnomAD no frequency). This variant has not been reported in the literature in individuals affected with CTSC-related conditions. For these reasons, this variant has been classified as Pathogenic.

Literature cited by the submitters: PubMed 10662808; PubMed 11106356; PubMed 11886537.

NM_001814.6(CTSC):c.303G>A (p.Trp101Ter)

Gene: CTSC (cathepsin C; minus strand). Cytogenetic location: 11q14.2.
Variant type: single nucleotide variant.
Coding change: c.303G>A on transcript NM_001814.6 (MANE Select); coding-DNA position 303, G replaced by A.
Protein change: p.Trp101Ter; replaces tryptophan 101 with a stop codon.
Molecular consequence: nonsense.
Genome position (GRCh38, 1-based): chr11:88,334,952, C>T on the plus strand (G>A on the coding strand, the complement: CTSC is on the minus strand). VCF-style: chr11-88334952-C-T. GRCh37 (hg19) VCF-style: chr11-88068120-C-T.
Other names: c.303G>A, p.Trp101Ter (NM_001114173.3, NM_148170.5); short protein forms W101*.
Identifiers: ClinVar variation 2950088 (VCV002950088.3), dbSNP rs2496619764, ClinGen allele CA382029645.